The following is an entry in ClinVar:

ClinVar aggregate classification (germline): Pathogenic (1 of 4 stars; one submission).

Conditions:
Lymphoproliferative syndrome 1 (LPFS1). Identifiers: Orphanet 238505, Orphanet 538963, MedGen C3552634, MONDO:0013081, OMIM 613011.

Allele frequency attached by ClinVar (database versions not stated): gnomAD exomes below 0.00001; TOPMed below 0.00001; gnomAD 0.00001.
gnomAD v4.1: 5 of 1,611,798 alleles (0.00031%); highest among the groups gnomAD compares: Non-Finnish European, 0.00034%; no homozygotes.

Submission:

Labcorp Genetics (formerly Invitae), Labcorp
Classification: Pathogenic for Lymphoproliferative syndrome 1. Last evaluated: 2023-02-16. Review status: criteria provided, single submitter. Criteria: Invitae Variant Classification Sherloc (09022015). Collection method: clinical testing. Allele origin: germline.
Comment: For these reasons, this variant has been classified as Pathogenic. This variant has not been reported in the literature in individuals affected with ITK-related conditions. This variant is not present in population databases (gnomAD no frequency). This sequence change creates a premature translational stop signal (p.Lys248*) in the ITK gene. It is expected to result in an absent or disrupted protein product. Loss-of-function variants in ITK are known to be pathogenic (PMID: 16860760, 22289921, 26056787).

Literature cited by the submitters: PubMed 16860760; PubMed 22289921; PubMed 26056787.

NM_005546.4(ITK):c.742A>T (p.Lys248Ter)

Gene: ITK (IL2 inducible T cell kinase; plus strand). Cytogenetic location: 5q33.3.
Variant type: single nucleotide variant.
Coding change: c.742A>T on transcript NM_005546.4 (MANE Select); coding-DNA position 742, A replaced by T.
Protein change: p.Lys248Ter; replaces lysine 248 with a stop codon.
Molecular consequence: nonsense.
Genome position (GRCh38, 1-based): chr5:157,232,368, A>T. VCF-style: chr5-157232368-A-T. GRCh37 (hg19) VCF-style: chr5-156659378-A-T.
Other names: short protein forms K248*.
Identifiers: ClinVar variation 2148272 (VCV002148272.4), dbSNP rs1754674801, ClinGen allele CA361956260.